The following is an entry in ClinVar:

ClinVar aggregate classification (germline): Likely pathogenic (1 of 4 stars; one submission).

Conditions:
Schwartz-Jampel syndrome. Also called: Myotonic myopathy dwarfism chondrodystrophy and ocular and facial abnormalities. Identifiers: Orphanet 800, MedGen C0036391, MONDO:0009717.

Allele frequency attached by ClinVar (database versions not stated): gnomAD exomes below 0.00001.
gnomAD v4.1: 1 of 1,607,832 alleles (0.000062%); highest among the groups gnomAD compares: Non-Finnish European, 0.000085%; no homozygotes.

Submission:

Department of Paediatric Medicine, Post Graduation Institute of Medical Education and Research
Classification: Likely pathogenic for Schwartz-Jampel syndrome type 1. Last evaluated: 2021-04-23. Review status: criteria provided, single submitter. Criteria: ACMG Guidelines, 2015. Collection method: clinical testing. Allele origin: inherited. Inheritance: Autosomal recessive inheritance. Affected: yes. Observed: 1 variant allele, 1 homozygote.
Comment: A homozygous nonsense variation in exon 86 of the HSPG2 gene (c.11730C>A) that results in a stop codon and premature truncation of the protein at codon 3910 (p.Cys3910Ter) was detected. The observed variant is not reported in both the gnomAD and 1000 genome databases. The in-silico prediction by Mutation taster is disease causing. This variant is predicted to cause loss of normal protein function through protein truncation. Based on the above evidence this variant has been classified as likely pathogenic according to the ACMG guidelines.

NM_005529.7(HSPG2):c.11730C>A (p.Cys3910Ter)

Gene: HSPG2 (heparan sulfate proteoglycan 2; minus strand). Cytogenetic location: 1p36.12.
Variant type: single nucleotide variant.
Coding change: c.11730C>A on transcript NM_005529.7 (MANE Select); coding-DNA position 11730, C replaced by A.
Protein change: p.Cys3910Ter; replaces cysteine 3910 with a stop codon.
Molecular consequence: nonsense.
Genome position (GRCh38, 1-based): chr1:21,830,033, G>T on the plus strand (C>A on the coding strand, the complement: HSPG2 is on the minus strand). VCF-style: chr1-21830033-G-T. GRCh37 (hg19) VCF-style: chr1-22156526-G-T.
Other names: c.11733C>A, p.Cys3911Ter (NM_001291860.2); short protein forms C3910*, C3911*.
Identifiers: ClinVar variation 1098428 (VCV001098428.3), dbSNP rs1215934207, ClinGen allele CA338902832.
Genomic context (GRCh38, chr1:21,830,033, plus strand): 5'-TCAGGCCTGGCTCCCCTCACCTTCCTCACACCGCAACCCCGAGCGGCCCAGGTGGCAGCG[G>T]CAGGTGTAGCCTCGACCGTCAGGCCGGTTCACACAGGTGGCGTCGGGCCCACAGGCCTCT-3'